The following is an entry in ClinVar:

NM_001128840.3(CACNA1D):c.6051G>A (p.Pro2017=)

Gene: CACNA1D (calcium voltage-gated channel subunit alpha1 D; plus strand). Cytogenetic location: 3p21.1.
Variant type: single nucleotide variant.
Coding change: c.6051G>A on transcript NM_001128840.3 (MANE Select); coding-DNA position 6051, G replaced by A.
Protein change: p.Pro2017=; no amino-acid change (proline 2017 retained).
Molecular consequence: synonymous variant.
Genome position (GRCh38, 1-based): chr3:53,810,157, G>A. VCF-style: chr3-53810157-G-A. GRCh37 (hg19) VCF-style: chr3-53844184-G-A.
Other names: p.Pro2037=; c.6111G>A, p.Pro2037= (NM_000720.4); c.5979G>A, p.Pro1993= (NM_001128839.3).
Identifiers: ClinVar variation 226477 (VCV000226477.15), dbSNP rs34388124, ClinGen allele CA2455350.

ClinVar aggregate classification (germline): Benign. Review status: criteria provided, multiple submitters, no conflicts (2 of 4 stars). 7 submissions from 7 submitters: Benign (7). Last evaluated 2026-02-04.

Conditions:
Aldosterone-producing adenoma with seizures and neurological abnormalities. Also called: Primary aldosteronism, seizures, and neurologic abnormalities. Identifiers: Orphanet 369929, MedGen C3809609, MONDO:0014200, OMIM 615474.

Allele frequency attached by ClinVar (database versions not stated): ESP Exome Variant Server 0.02806; gnomAD 0.02654 and 0.02656; ExAC 0.03034; gnomAD exomes 0.03505 and 0.03031; 1000 Genomes Project 0.01558; 1000 Genomes Project 30x 0.01405; TOPMed 0.02513.
gnomAD v4.1: 55,098 of 1,613,936 alleles (3.4%); highest among the groups gnomAD compares: Middle Eastern, 5.4%; 1,097 homozygotes.

Submissions (7):

Labcorp Genetics (formerly Invitae), Labcorp
Classification: Benign. Last evaluated: 2026-02-04. Review status: criteria provided, single submitter. Criteria: Invitae Variant Classification Sherloc (09022015). Collection method: clinical testing. Allele origin: germline.

KCCC/NGS Laboratory, Kuwait Cancer Control Center
Classification: Benign for Aldosterone-producing adenoma with seizures and neurological abnormalities. Last evaluated: 2023-07-07. Review status: criteria provided, single submitter. Criteria: ACMG Guidelines, 2015. Collection method: clinical testing. Allele origin: germline. Affected: yes.

Mayo Clinic Laboratories, Mayo Clinic
Classification: Benign. Last evaluated: 2022-04-26. Review status: criteria provided, single submitter. Criteria: ACMG Guidelines, 2015. Collection method: clinical testing. Allele origin: germline. Observed: 51 variant alleles.

Athena Diagnostics
Classification: Benign. Last evaluated: 2018-11-26. Review status: criteria provided, single submitter. Criteria: Athena Diagnostics Criteria. Collection method: clinical testing. Allele origin: germline.

GeneDx
Classification: Benign. Last evaluated: 2017-09-28. Review status: criteria provided, single submitter. Criteria: GeneDx Variant Classification (06012015). Collection method: clinical testing. Allele origin: germline. Affected: yes.
Comment: This variant is considered likely benign or benign based on one or more of the following criteria: it is a conservative change, it occurs at a poorly conserved position in the protein, it is predicted to be benign by multiple in silico algorithms, and/or has population frequency not consistent with disease.

Laboratory for Molecular Medicine, Mass General Brigham Personalized Medicine
Classification: Benign. Last evaluated: 2014-11-24. Review status: criteria provided, single submitter. Criteria: LMM Criteria. Collection method: clinical testing. Allele origin: germline. Observed: 52 variant alleles.
Comment: Pro2037Pro in exon 48 of CACNA1D: This variant is not expected to have clinical significance because it does not alter an amino acid residue and is not located within the splice consensus sequence. It has been identified in 3.9% (332/8600) of European American chromosomes from a broad population by the NHLBI Exome Sequ encing Project (dbSNP rs34388124).

Breakthrough Genomics
Classification: Benign. Review status: criteria provided, single submitter. Criteria: ACMG Guidelines, 2015. Collection method: not provided. Allele origin: germline. Inheritance: Autosomal recessive inheritance. Affected: yes.